The following is an entry in ClinVar:

NM_000051.4(ATM):c.5791_5793delinsCCTC (p.Ala1931fs)

Genes: ATM (ATM serine/threonine kinase; plus strand), C11orf65 (chromosome 11 open reading frame 65; minus strand). Cytogenetic location: 11q22.3.
Variant type: Indel.
Coding change: c.5791_5793delinsCCTC on transcript NM_000051.4 (MANE Select); coding-DNA positions 5791 to 5793, GCT replaced by CCTC.
Protein change: p.Ala1931fs; shifts the reading frame from alanine 1931.
Molecular consequence: frameshift variant. On other transcripts: intron variant (2).
Genome position (GRCh38, 1-based): chr11:108,310,188-108,310,190, GCT replaced by CCTC. VCF-style: chr11-108310188-GCT-CCTC. GRCh37 (hg19) VCF-style: chr11-108180915-GCT-CCTC.
Other names: c.5791_5793delinsCCTC, p.Ala1931fs (NM_001351834.2); c.641-1119_641-1117delinsGAGG (NM_001330368.2); c.*39-1119_*39-1117delinsGAGG (NM_001351110.2); c.5791_5794delGCTTinsCCTCT (NM_000051.3); short protein forms A1931fs.
Identifiers: ClinVar variation 429082 (VCV000429082.7), dbSNP rs1555110295, ClinGen allele CA645369433.

ClinVar aggregate classification (germline): Pathogenic (1 of 4 stars; one submission).

Conditions:
Hereditary cancer-predisposing syndrome. Also called: Neoplastic Syndromes, Hereditary; Hereditary Cancer Syndrome; Tumor predisposition; Hereditary neoplastic syndrome. Identifiers: Orphanet 140162, MedGen C0027672, MeSH D009386, MONDO:0015356.

Submission:

Ambry Genetics
Classification: Pathogenic for Hereditary cancer-predisposing syndrome. Last evaluated: 2016-03-25. Review status: criteria provided, single submitter. Criteria: Ambry Variant Classification Scheme 2023. Collection method: clinical testing. Allele origin: germline.
Comment: The c.5791_5794delGCTTinsCCTCT pathogenic mutation, located in coding exon 38 of the ATM gene, results from the deletion of 4 nucleotides and insertion of 5 nucleotides causing a translational frameshift with a predicted alternate stop codon. This alteration is expected to result in loss of function by premature protein truncation or nonsense-mediated mRNA decay. As such, this alteration is interpreted as a disease-causing mutation.